The following is an entry in ClinVar:

ClinVar aggregate classification (germline): Uncertain significance (1 of 4 stars; one submission).

Conditions:
HSD17B4-related disorder. Also called: HSD17B4-related condition; HSD17B4-related disorders.

Submission:

PreventionGenetics, part of Exact Sciences
Classification: Uncertain significance for HSD17B4-related condition. Last evaluated: 2026-07-20. Review status: criteria provided, single submitter. Criteria: ACMG Guidelines, 2015. Collection method: clinical testing. Allele origin: germline.
Comment: The HSD17B4 c.646G>C variant is predicted to result in the amino acid substitution p.Glu216Gln. To our knowledge, this variant has not been reported in the literature or in a large population database (gnomAD), indicating this variant is rare. At this time, the clinical significance of this variant is uncertain due to the absence of conclusive functional and genetic evidence.

NM_000414.4(HSD17B4):c.646G>C (p.Glu216Gln)

Gene: HSD17B4 (hydroxysteroid 17-beta dehydrogenase 4; plus strand). Cytogenetic location: 5q23.1.
Variant type: single nucleotide variant.
Coding change: c.646G>C on transcript NM_000414.4 (MANE Select); coding-DNA position 646, G replaced by C.
Protein change: p.Glu216Gln; replaces glutamic acid 216 with glutamine.
Molecular consequence: missense variant. On other transcripts: non-coding transcript variant (2).
Genome position (GRCh38, 1-based): chr5:119,489,215, G>C. VCF-style: chr5-119489215-G-C. GRCh37 (hg19) VCF-style: chr5-118824910-G-C.
Other names: c.721G>C, p.Glu241Gln (NM_001199291.3); c.592G>C, p.Glu198Gln (NM_001199292.2); c.574G>C, p.Glu192Gln (NM_001292027.2); c.226G>C, p.Glu76Gln (NM_001292028.2); c.637G>C, p.Glu213Gln (NM_001374497.1); c.646G>C, p.Glu216Gln (NM_001374498.1); c.319G>C, p.Glu107Gln (NM_001374499.1); c.205G>C, p.Glu69Gln (NM_001374500.1); and 1 more; short protein forms E198Q, E76Q, E192Q, E216Q, E107Q, E213Q, E69Q, E79Q.
Identifiers: ClinVar variation 4994291 (VCV004994291.1).